The following is an entry in ClinVar:

ClinVar aggregate classification (germline): Likely benign (1 of 4 stars; one submission).

Allele frequency attached by ClinVar (database versions not stated): gnomAD 0.00005; gnomAD exomes 0.00009; 1000 Genomes Project 30x 0.00031; ExAC 0.00189.

Submission:

CeGaT Center for Human Genetics Tuebingen
Classification: Likely benign. Last evaluated: 2022-05-01. Review status: criteria provided, single submitter. Criteria: CeGaT Center For Human Genetics Tuebingen Variant Classification Criteria Version 2. Collection method: clinical testing. Allele origin: germline. Affected: yes. Observed: 1 variant allele.
Comment: OTOG: BP4, BP7

NM_001292063.2(OTOG):c.2271C>T (p.Phe757=)

Gene: OTOG (otogelin; plus strand). Cytogenetic location: 11p15.1.
Variant type: single nucleotide variant.
Coding change: c.2271C>T on transcript NM_001292063.2 (MANE Select); coding-DNA position 2271, C replaced by T.
Protein change: p.Phe757=; no amino-acid change (phenylalanine 757 retained).
Molecular consequence: synonymous variant.
Genome position (GRCh38, 1-based): chr11:17,573,268, C>T. VCF-style: chr11-17573268-C-T. GRCh37 (hg19) VCF-style: chr11-17594815-C-T.
Other names: c.2307C>T, p.Phe769= (NM_001277269.2).
Identifiers: ClinVar variation 2641648 (VCV002641648.24), dbSNP rs781432242, ClinGen allele CA5905596.